The following is an entry in ClinVar:

ClinVar aggregate classification (germline): Conflicting classifications of pathogenicity. Review status: criteria provided, conflicting classifications (1 of 4 stars). 5 submissions from 5 submitters: Uncertain significance (4); Benign (1). Last evaluated 2026-08-26.

Conditions:
ADGRV1-related disorder. Also called: ADGRV1-related condition; ADGRV1-related disorders.

Allele frequency attached by ClinVar (database versions not stated): gnomAD 0.00001 and 0.00004; TOPMed 0.00001; gnomAD exomes 0.00002 and 0.00007; ExAC 0.00007; 1000 Genomes Project 30x 0.00047; 1000 Genomes Project 0.00060.
gnomAD v4.1: 42 of 1,613,186 alleles (0.0026%); highest among the groups gnomAD compares: South Asian, 0.041%; no homozygotes.

Submissions (5):

PreventionGenetics, part of Exact Sciences
Classification: Uncertain significance for ADGRV1-related condition. Last evaluated: 2026-08-26. Review status: criteria provided, single submitter. Criteria: ACMG Guidelines, 2015. Collection method: clinical testing. Allele origin: germline.
Comment: The ADGRV1 c.17722G>A variant is predicted to result in the amino acid substitution p.Ala5908Thr. To our knowledge, this variant has not been reported in the literature. This variant is reported in 0.059% of alleles in individuals of South Asian descent in gnomAD. Although we suspect that this variant may be benign, at this time, the clinical significance of this variant is uncertain due to the absence of conclusive functional and genetic evidence.

Labcorp Genetics (formerly Invitae), Labcorp
Classification: Benign. Last evaluated: 2025-09-21. Review status: criteria provided, single submitter. Criteria: Invitae Variant Classification Sherloc (09022015). Collection method: clinical testing. Allele origin: germline.

Blueprint Genetics
Classification: Uncertain significance. Last evaluated: 2024-03-05. Review status: criteria provided, single submitter. Criteria: ACMG Guidelines, 2015. Collection method: clinical testing. Allele origin: germline.

GeneDx
Classification: Uncertain significance. Last evaluated: 2023-11-14. Review status: criteria provided, single submitter. Criteria: GeneDx Variant Classification Process June 2021. Collection method: clinical testing. Allele origin: germline. Affected: yes.
Comment: In silico analysis supports that this missense variant does not alter protein structure/function; Has not been previously published as pathogenic or benign to our knowledge

Laboratory for Molecular Medicine, Mass General Brigham Personalized Medicine
Classification: Uncertain significance. Last evaluated: 2013-05-07. Review status: criteria provided, single submitter. Criteria: LMM Criteria. Collection method: clinical testing. Allele origin: germline. Observed: 1 variant allele.
Comment: The Ala5908Thr variant in GPR98 has not been reported in the literature nor prev iously identified by our laboratory. Computational analyses (biochemical amino a cid properties, conservation, AlignGVGD, PolyPhen2, and SIFT) do not provide str ong support for or against an impact to the protein. In summary, additional data is needed to determine the clinical significance of this variant.

NM_032119.4(ADGRV1):c.17722G>A (p.Ala5908Thr)

Gene: ADGRV1 (adhesion G protein-coupled receptor V1; plus strand). Cytogenetic location: 5q14.3.
Variant type: single nucleotide variant.
Coding change: c.17722G>A on transcript NM_032119.4 (MANE Select); coding-DNA position 17722, G replaced by A.
Protein change: p.Ala5908Thr; replaces alanine 5908 with threonine.
Molecular consequence: missense variant. On other transcripts: non-coding transcript variant (1).
Genome position (GRCh38, 1-based): chr5:90,855,868, G>A. VCF-style: chr5-90855868-G-A. GRCh37 (hg19) VCF-style: chr5-90151685-G-A.
Other names: short protein forms A5908T.
Identifiers: ClinVar variation 178882 (VCV000178882.10), dbSNP rs560274484, ClinGen allele CA183221.
Genomic context (GRCh38, chr5:90,855,868, plus strand): 5'-TCACACATGTCTGTGTATGCTGTCTATGCTCGGACTGACAACTTGTCTTCATACAATGAA[G>A]CCTTCTTCACTTCTGGATTTATATGTATCTCAGGTCAGTGACAGTATTTTTGAATCAATG-3'
Protein context (NP_115495.3, residues 5898-5918): RTDNLSSYNE[Ala5908Thr]FFTSGFICIS